The following is an entry in ClinVar:

NM_024577.4(SH3TC2):c.854A>G (p.Asp285Gly)

Gene: SH3TC2 (SH3 domain and tetratricopeptide repeats 2; minus strand). Cytogenetic location: 5q32.
Variant type: single nucleotide variant.
Coding change: c.854A>G on transcript NM_024577.4 (MANE Select); coding-DNA position 854, A replaced by G.
Protein change: p.Asp285Gly; replaces aspartic acid 285 with glycine.
Molecular consequence: missense variant.
Genome position (GRCh38, 1-based): chr5:149,038,442, T>C on the plus strand (A>G on the coding strand, the complement: SH3TC2 is on the minus strand). VCF-style: chr5-149038442-T-C. GRCh37 (hg19) VCF-style: chr5-148418005-T-C.
Other names: short protein forms D285G.
Identifiers: ClinVar variation 1502091 (VCV001502091.3), dbSNP rs763037689, ClinGen allele CA3499360.

ClinVar aggregate classification (germline): Uncertain significance (1 of 4 stars; one submission).

Conditions:
Charcot-Marie-Tooth disease type 4. Also called: Charcot-Marie-Tooth disease, type IV; Charcot-Marie-Tooth, Type 4. Identifiers: Orphanet 64749, MedGen C4082197, MONDO:0018995.

Allele frequency attached by ClinVar (database versions not stated): gnomAD exomes below 0.00001; ExAC 0.00001.
gnomAD v4.1: 3 of 1,614,152 alleles (0.00019%); highest among the groups gnomAD compares: Non-Finnish European, 0.00025%; no homozygotes.

Submission:

Labcorp Genetics (formerly Invitae), Labcorp
Classification: Uncertain significance for Charcot-Marie-Tooth disease type 4. Last evaluated: 2022-09-23. Review status: criteria provided, single submitter. Criteria: Invitae Variant Classification Sherloc (09022015). Collection method: clinical testing. Allele origin: germline.
Comment: This sequence change replaces aspartic acid, which is acidic and polar, with glycine, which is neutral and non-polar, at codon 285 of the SH3TC2 protein (p.Asp285Gly). This variant is present in population databases (rs763037689, gnomAD 0.0009%). This variant has not been reported in the literature in individuals affected with SH3TC2-related conditions. ClinVar contains an entry for this variant (Variation ID: 1502091). Algorithms developed to predict the effect of missense changes on protein structure and function (SIFT, PolyPhen-2, Align-GVGD) all suggest that this variant is likely to be disruptive. Algorithms developed to predict the effect of sequence changes on RNA splicing suggest that this variant may create or strengthen a splice site. In summary, the available evidence is currently insufficient to determine the role of this variant in disease. Therefore, it has been classified as a Variant of Uncertain Significance.